The following is an entry in ClinVar:

NM_001267550.2(TTN):c.49988T>C (p.Ile16663Thr)

Genes: TTN (titin; minus strand), TTN-AS1 (TTN antisense RNA 1; plus strand). Cytogenetic location: 2q31.2.
Variant type: single nucleotide variant.
Coding change: c.49988T>C on transcript NM_001267550.2 (MANE Select); coding-DNA position 49988, T replaced by C.
Protein change: p.Ile16663Thr; replaces isoleucine 16663 with threonine.
Molecular consequence: missense variant.
Genome position (GRCh38, 1-based): chr2:178,612,537, A>G on the plus strand (T>C on the coding strand, the complement: TTN is on the minus strand). VCF-style: chr2-178612537-A-G. GRCh37 (hg19) VCF-style: chr2-179477264-A-G.
Other names: p.Ile15022Thr; c.45065T>C, p.Ile15022Thr (NM_001256850.1); c.22793T>C, p.Ile7598Thr (NM_003319.4); c.42284T>C, p.Ile14095Thr (NM_133378.4); c.23168T>C, p.Ile7723Thr (NM_133432.3); c.23369T>C, p.Ile7790Thr (NM_133437.4); short protein forms I16663T, I14095T, I7790T, I7723T, I15022T, I7598T.
Identifiers: ClinVar variation 332847 (VCV000332847.9), dbSNP rs774556838, ClinGen allele CA1994456.

ClinVar aggregate classification (germline): Conflicting classifications of pathogenicity. Review status: criteria provided, conflicting classifications (1 of 4 stars). 9 submissions from 5 submitters: Uncertain significance (4); Benign (1); Likely benign (3). 1 of the submissions does not count toward it. Last evaluated 2026-03-27.

Conditions:
Tibial muscular dystrophy (TMD). Also called: Udd Distal Myopathy – Tibial Muscular Dystrophy; UDD MYOPATHY; Tibial muscular dystrophy, tardive. Identifiers: Orphanet 609, MedGen C1838244, MONDO:0010870, OMIM 600334.
Dilated cardiomyopathy 1G (CMD1G). Identifiers: Orphanet 154, MedGen C1858763, MONDO:0011400, OMIM 604145.
TTN-related disorder. Also called: TTN-related condition; TTN-related disease; TTN-related disorders.
Cardiomyopathy (CMYO). Also called: Cardiomyopathies. Identifiers: Orphanet 167848, MedGen C0878544, MONDO:0004994, HP:0001638. Inheritance: Various modes of inheritance.
Autosomal recessive limb-girdle muscular dystrophy type 2J (LGMDR10). Also called: MUSCULAR DYSTROPHY, LIMB-GIRDLE, AUTOSOMAL RECESSIVE 10; Limb-girdle muscular dystrophy, type 2J. Identifiers: Orphanet 140922, MedGen C1837342, MONDO:0012127, OMIM 608807.
Myopathy, myofibrillar, 9, with early respiratory failure (MFM9). Also called: Myopathy, distal, with early respiratory failure, autosomal dominant; Hereditary myopathy with early respiratory failure; EDSTROM MYOPATHY; MYOPATHY, PROXIMAL, WITH EARLY RESPIRATORY MUSCLE INVOLVEMENT. Identifiers: Orphanet 178464, Orphanet 34521, MedGen C1863599, MONDO:0011362, OMIM 603689.
Early-onset myopathy with fatal cardiomyopathy (CMYO5). Also called: CONGENITAL MYOPATHY 5 WITH CARDIOMYOPATHY; Salih Myopathy. Identifiers: Orphanet 289377, MedGen C2673677, MONDO:0012714, OMIM 611705. Disease mechanism: loss of function.

Allele frequency attached by ClinVar (database versions not stated): TOPMed below 0.00001; gnomAD 0.00001; gnomAD exomes 0.00001 and 0.00002; ExAC 0.00003.
gnomAD v4.1: 26 of 1,611,514 alleles (0.0016%); highest among the groups gnomAD compares: Non-Finnish European, 0.0022%; no homozygotes.

Submissions (9):

Molecular Diagnostic Laboratory for Inherited Cardiovascular Disease, Montreal Heart Institute
Classification: Likely benign. Last evaluated: 2026-03-27. Review status: criteria provided, single submitter. Criteria: ACMG Guidelines, 2015. Collection method: clinical testing. Allele origin: germline. Affected: no.
Comment: BP1

Mayo Clinic Laboratories, Mayo Clinic
Classification: Uncertain significance. Last evaluated: 2025-12-18. Review status: criteria provided, single submitter. Criteria: ACMG Guidelines, 2015. Collection method: clinical testing. Allele origin: germline. Observed: 1 variant allele.
Comment: BP2, BP5

CHEO Genetics Diagnostic Laboratory, Children's Hospital of Eastern Ontario
Classification: Likely benign for Cardiomyopathy. Last evaluated: 2023-05-16. Review status: criteria provided, single submitter. Criteria: ACMG Guidelines, 2015. Collection method: clinical testing. Allele origin: germline.

Illumina Laboratory Services, Illumina
Classification: Uncertain significance for Early-onset myopathy with fatal cardiomyopathy. Last evaluated: 2018-01-12. Review status: criteria provided, single submitter. Criteria: ICSL Variant Classification Criteria 13 December 2019. Collection method: clinical testing. Allele origin: germline.

Illumina Laboratory Services, Illumina
Classification: Likely benign for Myopathy, myofibrillar, 9, with early respiratory failure. Last evaluated: 2018-01-12. Review status: criteria provided, single submitter. Criteria: ICSL Variant Classification Criteria 13 December 2019. Collection method: clinical testing. Allele origin: germline.
Comment: This variant was observed in the ICSL laboratory as part of a predisposition screen in an ostensibly healthy population. It had not been previously curated by ICSL or reported in the Human Gene Mutation Database (HGMD: prior to June 1st, 2018), and was therefore a candidate for classification through an automated scoring system. Utilizing variant allele frequency, disease prevalence and penetrance estimates, and inheritance mode, an automated score was calculated to assess if this variant is too frequent to cause the disease. Based on the score and internal cut-off values, a variant classified as likely benign is not then subjected to further curation. The score for this variant resulted in a classification of likely benign for this disease.

Illumina Laboratory Services, Illumina
Classification: Uncertain significance for Dilated cardiomyopathy 1G. Last evaluated: 2018-01-12. Review status: criteria provided, single submitter. Criteria: ICSL Variant Classification Criteria 13 December 2019. Collection method: clinical testing. Allele origin: germline.

Illumina Laboratory Services, Illumina
Classification: Uncertain significance for Autosomal recessive limb-girdle muscular dystrophy type 2J. Last evaluated: 2018-01-12. Review status: criteria provided, single submitter. Criteria: ICSL Variant Classification Criteria 13 December 2019. Collection method: clinical testing. Allele origin: germline.

Illumina Laboratory Services, Illumina
Classification: Benign for Tibial muscular dystrophy. Last evaluated: 2018-01-12. Review status: criteria provided, single submitter. Criteria: ICSL Variant Classification Criteria 13 December 2019. Collection method: clinical testing. Allele origin: germline.
Comment: This variant was observed in the ICSL laboratory as part of a predisposition screen in an ostensibly healthy population. It had not been previously curated by ICSL or reported in the Human Gene Mutation Database (HGMD: prior to June 1st, 2018), and was therefore a candidate for classification through an automated scoring system. Utilizing variant allele frequency, disease prevalence and penetrance estimates, and inheritance mode, an automated score was calculated to assess if this variant is too frequent to cause the disease. Based on the score and internal cut-off values, a variant classified as benign is not then subjected to further curation. The score for this variant resulted in a classification of benign for this disease.

PreventionGenetics, part of Exact Sciences
Classification: Uncertain significance for TTN-related condition. Last evaluated: 2024-08-13. Review status: no assertion criteria provided. Collection method: clinical testing. Allele origin: germline. Not counted in ClinVar's aggregate classification.
Comment: The TTN c.49988T>C variant is predicted to result in the amino acid substitution p.Ile16663Thr. To our knowledge, this variant has not been reported in the literature. This variant is reported in 0.0028% of alleles in individuals of European (Non-Finnish) descent in gnomAD. At this time, the clinical significance of this variant is uncertain due to the absence of conclusive functional and genetic evidence.